The following is an entry in ClinVar:

ClinVar aggregate classification (germline): Uncertain significance (1 of 4 stars; one submission).

Submission:

Women's Health and Genetics/Laboratory Corporation of America, LabCorp
Classification: Uncertain significance. Last evaluated: 2025-10-09. Review status: criteria provided, single submitter. Criteria: LabCorp Variant Classification Summary - May 2015. Collection method: clinical testing. Allele origin: germline.
Comment: Variant summary: GNAS c.568_569delinsAC (p.Tyr190Thr) results in a non-conservative amino acid change in the encoded protein sequence. Algorithms developed to predict the effect of missense changes on protein structure and function are either unavailable or do not agree on the potential impact of this missense change. The variant was absent in 251486 control chromosomes. c.568_569delinsAC has been observed in individual(s) affected with GNAS-Related Disorders (internal data). These data do not allow any conclusion about variant significance. To our knowledge, no experimental evidence demonstrating an impact on protein function has been reported. A different variant located at the same codon (c.569A>G, p.Tyr190Cys) has been classified as Likely Pathogenic in ClinVar, supporting a critical relevance of this residue to GNAS protein function. No submitters have cited clinical-significance assessments for this variant to ClinVar. Based on the evidence outlined above, the variant was classified as VUS-possibly pathogenic.

NM_000516.7(GNAS):c.568_569delinsAC (p.Tyr190Thr)

Gene: GNAS (GNAS complex locus; plus strand). Cytogenetic location: 20q13.32.
Variant type: Indel.
Coding change: c.568_569delinsAC on transcript NM_000516.7 (MANE Select); coding-DNA positions 568 to 569, TA replaced by AC.
Protein change: p.Tyr190Thr; replaces tyrosine 190 with threonine.
Molecular consequence: missense variant. On other transcripts: 3 prime UTR variant (2).
Genome position (GRCh38, 1-based): chr20:58,909,199-58,909,200, TA replaced by AC. VCF-style: chr20-58909199-TA-AC. GRCh37 (hg19) VCF-style: chr20-57484254-TA-AC.
Other names: c.391_392delinsAC, p.Tyr131Thr (NM_001439291.1, NM_001309840.2, NM_001309861.2 and 1 more transcripts); c.*474_*475delinsAC (NM_016592.5); c.2497_2498delinsAC, p.Tyr833Thr (NM_080425.4); c.526_527delinsAC, p.Tyr176Thr (NM_080426.4); c.571_572delinsAC, p.Tyr191Thr (NM_001077488.5); c.523_524delinsAC, p.Tyr175Thr (NM_001077489.4); c.*429_*430delinsAC (NM_001077490.3); c.472_473delinsAC, p.Tyr158Thr (NM_001410912.1); and 2 more; short protein forms Y116T, Y131T, Y158T, Y175T, Y176T, Y190T, Y191T, Y818T.
Identifiers: ClinVar variation 4687406 (VCV004687406.1).